The following is an entry in ClinVar:

NM_001048174.2(MUTYH):c.1201G>A (p.Gly401Arg)

Gene: MUTYH (mutY DNA glycosylase; minus strand). Cytogenetic location: 1p34.1.
Variant type: single nucleotide variant.
Coding change: c.1201G>A on transcript NM_001048174.2 (MANE Select); coding-DNA position 1201, G replaced by A.
Protein change: p.Gly401Arg; replaces glycine 401 with arginine.
Molecular consequence: missense variant. On other transcripts: non-coding transcript variant (7).
Genome position (GRCh38, 1-based): chr1:45,331,458, C>T on the plus strand (G>A on the coding strand, the complement: MUTYH is on the minus strand). VCF-style: chr1-45331458-C-T. GRCh37 (hg19) VCF-style: chr1-45797130-C-T.
Other names: c.1201G>A, p.Gly401Arg (NM_001048171.2, NM_001048173.2, NM_001293195.2 and 6 more transcripts); c.1204G>A, p.Gly402Arg (NM_001048172.2, NM_001407071.1, NM_001407078.1 and 1 more transcripts); c.1285G>A, p.Gly429Arg (NM_001128425.2); c.1246G>A, p.Gly416Arg (NM_001293190.2); c.1234G>A, p.Gly412Arg (NM_001293191.2, NM_001407069.1, NM_001407077.1); c.925G>A, p.Gly309Arg (NM_001293192.2, NM_001293196.2, NM_001407091.1); c.856G>A, p.Gly286Arg (NM_001350650.2, NM_001350651.2, NM_001407082.1); c.1117G>A, p.Gly373Arg (NM_001407075.1); and 5 more; short protein forms G408R, G412R, G309R, G429R, G373R, G387R, G401R, G415R.
Identifiers: ClinVar variation 3914958 (VCV003914958.1).

ClinVar aggregate classification (germline): Uncertain significance (1 of 4 stars; one submission).

Conditions:
Hereditary cancer-predisposing syndrome. Also called: Hereditary Cancer Syndrome; Hereditary neoplastic syndrome; Neoplastic Syndromes, Hereditary; Tumor predisposition. Identifiers: Orphanet 140162, MedGen C0027672, MeSH D009386, MONDO:0015356.

gnomAD v4.1: 1 of 1,614,238 alleles (0.000062%); highest among the groups gnomAD compares: East Asian, 0.0022%; no homozygotes.

Submission:

Ambry Genetics
Classification: Uncertain significance for Hereditary cancer-predisposing syndrome. Last evaluated: 2025-05-25. Review status: criteria provided, single submitter. Criteria: Ambry Variant Classification Scheme 2023. Collection method: clinical testing. Allele origin: germline.
Comment: The p.G429R variant (also known as c.1285G>A), located in coding exon 13 of the MUTYH gene, results from a G to A substitution at nucleotide position 1285. The glycine at codon 429 is replaced by arginine, an amino acid with dissimilar properties. This amino acid position is conserved. In addition, this alteration is predicted to be deleterious by in silico analysis. Based on the available evidence, the clinical significance of this variant remains unclear.